The following is an entry in ClinVar:

NM_001256317.3(TMPRSS3):c.346G>A (p.Val116Met)

Gene: TMPRSS3 (transmembrane serine protease 3; minus strand). Cytogenetic location: 21q22.3.
Variant type: single nucleotide variant.
Coding change: c.346G>A on transcript NM_001256317.3 (MANE Select); coding-DNA position 346, G replaced by A.
Protein change: p.Val116Met; replaces valine 116 with methionine.
Molecular consequence: missense variant. On other transcripts: 5 prime UTR variant (1).
Genome position (GRCh38, 1-based): chr21:42,388,503, C>T on the plus strand (G>A on the coding strand, the complement: TMPRSS3 is on the minus strand). VCF-style: chr21-42388503-C-T. GRCh37 (hg19) VCF-style: chr21-43808612-C-T.
Other names: c.346G>A, p.Val116Met (NM_024022.4, NM_032405.2); c.-36G>A (NM_032404.3); c.346G>A (NM_001256317.1); short protein forms V116M.
Identifiers: ClinVar variation 432009 (VCV000432009.23), dbSNP rs200090033, ClinGen allele CA10042653.

ClinVar aggregate classification (germline): Pathogenic/Likely pathogenic. Review status: criteria provided, multiple submitters, no conflicts (2 of 4 stars). 12 submissions from 12 submitters: Pathogenic (6); Likely pathogenic (5). 1 of the submissions does not count toward it. Last evaluated 2026-07-01.

Conditions:
TMPRSS3-related disorder. Also called: TMPRSS3-related condition.
Autosomal recessive nonsyndromic hearing loss 8 (DFNB8). Also called: Deafness, autosomal recessive 10; NEUROSENSORY NONSYNDROMIC RECESSIVE DEAFNESS 8. Identifiers: Orphanet 90636, MedGen C1832827, MONDO:0010987, OMIM 601072.
Monogenic hearing loss.

Allele frequency attached by ClinVar (database versions not stated): TOPMed 0.00003; gnomAD 0.00004; gnomAD exomes 0.00005; ExAC 0.00006.

Submissions (12):

CeGaT Center for Human Genetics Tuebingen
Classification: Pathogenic. Last evaluated: 2026-07-01. Review status: criteria provided, single submitter. Criteria: CeGaT Center For Human Genetics Tuebingen Variant Classification Criteria Version 2. Collection method: clinical testing. Allele origin: germline. Affected: yes. Observed: 1 variant allele.
Comment: TMPRSS3: PM3:Very Strong, PP1:Strong, PM2, BP4

PreventionGenetics, part of Exact Sciences
Classification: Pathogenic for TMPRSS3-related condition. Last evaluated: 2026-04-22. Review status: criteria provided, single submitter. Criteria: ACMG Guidelines, 2015. Collection method: clinical testing. Allele origin: germline.
Comment: The TMPRSS3 c.346G>A variant is predicted to result in the amino acid substitution p.Val116Met. This variant has been reported in the homozygous or compound heterozygous state in individuals with hearing loss and segregated with disease in several families (Ganapathy et al. 2014. PubMed ID: 24416283; Table S1, Safka Brozkova et al. 2020. PubMed ID: 32860223; Table S3, Batissoco et al. 2021. PubMed ID: 34599368; Lee et al. 2023. PubMed ID: 36871673; Kim et al. 2017. PubMed ID: 29072634). This variant is reported in 0.020% of alleles in individuals of South Asian descent in gnomAD. This variant is interpreted as pathogenic.

Genetics Laboratory, Great Ormond Street Hospital NHS Foundation Trust, North Thames Genomic Laboratory Hub
Classification: Likely pathogenic for Monogenic hearing loss. Last evaluated: 2026-01-20. Review status: criteria provided, single submitter. Criteria: ACGS Best Practice Guidelines for Variant Classification in Rare Disease 2024 v1.2. Collection method: clinical testing. Allele origin: germline. Affected: yes.
Comment: PM2_moderate, PM3_strong

Dasa
Classification: Likely pathogenic. Last evaluated: 2025-12-15. Review status: criteria provided, single submitter. Criteria: DASA Assertion Criteria. Collection method: clinical testing. Allele origin: germline.
Comment: NM_001256317.3(TMPRSS3):c.346G>A (p.Val116Met) is a missense variant that results in the substitution of valine with methionine. Multiple computational predictions support a deleterious effect on the gene or gene product. The variant is present at low frequency in population datasets. Based on the available data, this variant is classified as likely pathogenic.

Labcorp Genetics (formerly Invitae), Labcorp
Classification: Pathogenic. Last evaluated: 2025-05-16. Review status: criteria provided, single submitter. Criteria: Invitae Variant Classification Sherloc (09022015). Collection method: clinical testing. Allele origin: germline.
Comment: This sequence change replaces valine, which is neutral and non-polar, with methionine, which is neutral and non-polar, at codon 116 of the TMPRSS3 protein (p.Val116Met). This variant is present in population databases (rs200090033, gnomAD 0.02%). This missense change has been observed in individual(s) with nonsyndromic deafness (PMID: 24416283, 32860223, 34599368). In at least one individual the data is consistent with being in trans (on the opposite chromosome) from a pathogenic variant. It has also been observed to segregate with disease in related individuals. ClinVar contains an entry for this variant (Variation ID: 432009). Invitae Evidence Modeling of protein sequence and biophysical properties (such as structural, functional, and spatial information, amino acid conservation, physicochemical variation, residue mobility, and thermodynamic stability) has been performed for this missense variant. However, the output from this modeling did not meet the statistical confidence thresholds required to predict the impact of this variant on TMPRSS3 protein function. For these reasons, this variant has been classified as Pathogenic.

GeneDx
Classification: Likely pathogenic. Last evaluated: 2025-03-25. Review status: criteria provided, single submitter. Criteria: GeneDx Variant Classification Process June 2021. Collection method: clinical testing. Allele origin: germline. Affected: yes.
Comment: In silico analysis indicates that this missense variant does not alter protein structure/function; This variant is associated with the following publications: (PMID: 26186295, 29072634, 31589614, 24416283, 32860223, 34599368, 36871673, 38691166, 34868270, 37331337, 34652575, 38378725, 34599366, 32238869, 30919572, Chakraborty2023[Preprint])

Victorian Clinical Genetics Services, Murdoch Childrens Research Institute
Classification: Pathogenic for Autosomal recessive nonsyndromic hearing loss 8. Last evaluated: 2024-09-23. Review status: criteria provided, single submitter. Criteria: ACMG Guidelines, 2015. Collection method: clinical testing. Allele origin: germline. Inheritance: Autosomal recessive inheritance. Affected: yes.
Comment: Based on the classification scheme VCGS_Germline_v1.3.4, this variant is classified as Pathogenic. Following criteria are met: 0102 - Loss of function is a known mechanism of disease in this gene and is associated with deafness, autosomal recessive 8/10 (MIM#601072). (I) 0106 - This gene is associated with autosomal recessive disease. (I) 0200 - Variant is predicted to result in a missense amino acid change from valine to methionine. (I) 0251 - This variant is heterozygous. (I) 0304 - Variant is present in gnomAD (v2) <0.01 for a recessive condition (14 heterozygotes, 0 homozygotes). (SP) 0309 - An alternative amino acid change at the same position has been observed in gnomAD (v3) (68 heterozygotes, 3 homozygotes). (I) 0503 - Missense variant consistently predicted to be tolerated by multiple in silico tools or not conserved in placental mammals with a minor amino acid change. (SB) 0600 - Variant is located in the annotated scavenger receptor cysteine-rich domain (DECIPHER). (I) 0705 - No comparable missense variants have previous evidence for pathogenicity. (I) 0801 - This variant has strong previous evidence of pathogenicity in unrelated individuals. This variant has been classified as pathogenic or likely pathogenic by multiple clinical laboratories in ClinVar, and has been observed in compound heterozygous and homozygous individuals with hearing loss in the literature (PMID: 29072634, 24416283, 3459936, 32860223, 30919572). (SP) 0906- Segregation evidence for this variant is inconclusive. The variant has segregated in a brother and sister, however this is insufficient for pathogenic evidence (PMID: 24416283). (I) 1002 - This variant has moderate functional evidence supporting abnormal protein function. This variant in cis with p.(Val291Leu) showed a significantly reduced proteolytic activity in a yeast based protease assay. (PMID: 29072634). (I) Legend: (SP) - Supporting pathogenic, (I) - Information, (SB) - Supporting benign

Fulgent Genetics
Classification: Likely pathogenic for Autosomal recessive nonsyndromic hearing loss 8. Last evaluated: 2022-03-15. Review status: criteria provided, single submitter. Criteria: ACMG Guidelines, 2015. Collection method: clinical testing. Allele origin: unknown.

Blueprint Genetics
Classification: Pathogenic for TMPRSS3-related disorders. Last evaluated: 2022-03-01. Review status: criteria provided, single submitter. Criteria: ACMG Guidelines, 2015. Collection method: clinical testing. Allele origin: germline. Affected: yes. Observed: 4 variant alleles.

Juno Genomics, Hangzhou Juno Genomics, Inc
Classification: Likely pathogenic for Autosomal recessive nonsyndromic hearing loss 8. Review status: criteria provided, single submitter. Criteria: ACMG Guidelines, 2015. Collection method: clinical testing. Allele origin: germline.
Comment: Absent from controls (or at extremely low frequency if recessive) in Genome Aggregation Database.;Multiple lines of computational evidence support a deleterious effect on the gene or gene product.;For recessive disorders, detected in trans with a pathogenic variant.;Co-segregation with disease in multiple affected family members.

Laboratory of Molecular, Cellular and Translation Genetics in Otolaryngology/ Lim32-hcfmusp, University of Sao Paulo School of Medicine Clinics Hospital
Classification: Pathogenic for Autosomal recessive nonsyndromic hearing loss 8. Review status: criteria provided, single submitter. Criteria: ClinGen HL ACMG Specifications v1. Collection method: research. Allele origin: germline. Inheritance: Autosomal recessive inheritance. Affected: yes. Observed: 1 variant allele, 1 compound heterozygote. Segregation with disease observed.

Biochemical Molecular Genetic Laboratory, King Abdulaziz Medical City
Classification: Likely pathogenic for Autosomal recessive nonsyndromic hearing loss 8. Last evaluated: 2020-08-07. Review status: no assertion criteria provided. Collection method: clinical testing. Allele origin: germline. Affected: yes. Not counted in ClinVar's aggregate classification.

Literature cited by the submitters: PubMed 24416283 (cited by Labcorp Genetics (formerly Invitae), Labcorp and Victorian Clinical Genetics Services, Murdoch Childrens Research Institute); PubMed 32860223 (cited by Labcorp Genetics (formerly Invitae), Labcorp and Victorian Clinical Genetics Services, Murdoch Childrens Research Institute); PubMed 34599368 (cited by Labcorp Genetics (formerly Invitae), Labcorp and Laboratory of Molecular, Cellular and Translation Genetics in Otolaryngology/ Lim32-hcfmusp, University of Sao Paulo School of Medicine Clinics Hospital); PubMed 3459936 (cited by Victorian Clinical Genetics Services, Murdoch Childrens Research Institute); PubMed 29072634 (cited by Victorian Clinical Genetics Services, Murdoch Childrens Research Institute); PubMed 30919572 (cited by Victorian Clinical Genetics Services, Murdoch Childrens Research Institute).